The following is an entry in ClinVar:

NM_000138.5(FBN1):c.3839_3846del (p.Asp1280fs)

Gene: FBN1 (fibrillin 1; minus strand). Cytogenetic location: 15q21.1.
Variant type: Deletion.
Coding change: c.3839_3846del on transcript NM_000138.5 (MANE Select); coding-DNA positions 3839 to 3846, 8 bases deleted (ATGTCAAT; older notation c.3839_3846delATGTCAAT).
Protein change: p.Asp1280fs; shifts the reading frame from aspartic acid 1280.
Molecular consequence: frameshift variant.
Genome position (GRCh38, 1-based): chr15:48,481,773-48,481,780, ATTGACAT deleted on the plus strand (ATGTCAAT on the coding strand, the reverse complement: FBN1 is on the minus strand). VCF-style (leftmost placement, unchanged base first): chr15-48481772-CATTGACAT-C. GRCh37 (hg19) VCF-style: chr15-48773969-CATTGACAT-C.
Other names: c.3839_3846delATGTCAAT (NM_000138.4); short protein forms D1280fs.
Identifiers: ClinVar variation 439711 (VCV000439711.13), dbSNP rs113603747, ClinGen allele CA269524044.
Genomic context (GRCh38, chr15:48,481,772, plus strand): 5'-ATGAGCCTTTCGTGTTTTCACAGGTCCCACTTAGGCAGATATTTGGATTCAGGTCACACT[CATTGACAT>C]CTGTAAAACATATATACTATTAATATATGTAGCTATTTGATATCATTGAGTACTTTCCCC-3'

ClinVar aggregate classification (germline): Pathogenic. Review status: criteria provided, multiple submitters, no conflicts (2 of 4 stars). 3 submissions from 3 submitters: Pathogenic (3). Last evaluated 2022-09-20.

Conditions:
Marfan syndrome (MFS). Also called: MARFAN SYNDROME, TYPE I; FBN1-Related Marfan Syndrome; Marfan syndrome type 1; Marfan's syndrome; Marfan syndrome, classic. Identifiers: Orphanet 284963, Orphanet 558, MedGen C0024796, MONDO:0007947, OMIM 154700.
Familial thoracic aortic aneurysm and aortic dissection (TAAD). Also called: Thoracic aortic aneurysms and dissections. Identifiers: Orphanet 91387, MedGen C4707243, MONDO:0019625.

Submissions (3):

Labcorp Genetics (formerly Invitae), Labcorp
Classification: Pathogenic for Marfan syndrome; Familial thoracic aortic aneurysm and aortic dissection. Last evaluated: 2022-09-20. Review status: criteria provided, single submitter. Criteria: Invitae Variant Classification Sherloc (09022015). Collection method: clinical testing. Allele origin: germline.
Comment: For these reasons, this variant has been classified as Pathogenic. Algorithms developed to predict the effect of sequence changes on RNA splicing suggest that this variant may disrupt the consensus splice site. ClinVar contains an entry for this variant (Variation ID: 439711). This variant has not been reported in the literature in individuals affected with FBN1-related conditions. This variant is not present in population databases (gnomAD no frequency). This sequence change creates a premature translational stop signal (p.Asp1280Glyfs*3) in the FBN1 gene. It is expected to result in an absent or disrupted protein product. Loss-of-function variants in FBN1 are known to be pathogenic (PMID: 17657824, 19293843).

Ambry Genetics
Classification: Pathogenic for Familial thoracic aortic aneurysm and aortic dissection. Last evaluated: 2022-03-21. Review status: criteria provided, single submitter. Criteria: Ambry Variant Classification Scheme 2023. Collection method: clinical testing. Allele origin: germline.
Comment: The c.3839_3846delATGTCAAT pathogenic mutation, located in coding exon 31 of the FBN1 gene, results from a deletion of 8 nucleotides at nucleotide positions 3839 to 3846, causing a translational frameshift with a predicted alternate stop codon (p.D1280Gfs*3). This alteration has been observed in at least one individual with a personal and/or family history that is consistent with FBN1-related disease (Ambry internal data). This variant is considered to be rare based on population cohorts in the Genome Aggregation Database (gnomAD). In addition, this alteration is expected to result in loss of function by premature protein truncation or nonsense-mediated mRNA decay. As such, this alteration is interpreted as a disease-causing mutation.

ARUP Laboratories, Molecular Genetics and Genomics, ARUP Laboratories
Classification: Pathogenic. Last evaluated: 2016-12-16. Review status: criteria provided, single submitter. Criteria: ARUP Molecular Germline Variant Investigation Process. Collection method: clinical testing. Allele origin: germline.

Literature cited by the submitters: PubMed 17657824 (cited by Labcorp Genetics (formerly Invitae), Labcorp); PubMed 19293843 (cited by Labcorp Genetics (formerly Invitae), Labcorp).